The following is an entry in ClinVar:

ClinVar aggregate classification (germline): Pathogenic/Likely pathogenic. Review status: criteria provided, multiple submitters, no conflicts (2 of 4 stars). 2 submissions from 2 submitters: Pathogenic (1); Likely pathogenic (1). Last evaluated 2024-04-10.

Conditions:
Ehlers-Danlos syndrome, dermatosparaxis type. Also called: Dermatosparaxis; EDS VIIC; Ehlers-Danlos syndrome, type VII, autosomal recessive. Identifiers: Orphanet 1901, MedGen C2700425, MONDO:0009161, OMIM 225410.

Submissions (2):

Fulgent Genetics
Classification: Likely pathogenic for Ehlers-Danlos syndrome, dermatosparaxis type. Last evaluated: 2024-04-10. Review status: criteria provided, single submitter. Criteria: ACMG Guidelines, 2015. Collection method: clinical testing. Allele origin: germline.

Labcorp Genetics (formerly Invitae), Labcorp
Classification: Pathogenic for Ehlers-Danlos syndrome, dermatosparaxis type. Last evaluated: 2023-02-21. Review status: criteria provided, single submitter. Criteria: Invitae Variant Classification Sherloc (09022015). Collection method: clinical testing. Allele origin: germline.
Comment: This sequence change creates a premature translational stop signal (p.Cys659*) in the ADAMTS2 gene. It is expected to result in an absent or disrupted protein product. Loss-of-function variants in ADAMTS2 are known to be pathogenic (PMID: 10417273). For these reasons, this variant has been classified as Pathogenic. This variant has not been reported in the literature in individuals affected with ADAMTS2-related conditions. This variant is not present in population databases (gnomAD no frequency).

Literature cited by the submitters: PubMed 10417273 (cited by Labcorp Genetics (formerly Invitae), Labcorp).

NM_014244.5(ADAMTS2):c.1977C>A (p.Cys659Ter)

Gene: ADAMTS2 (ADAM metallopeptidase with thrombospondin type 1 motif 2; minus strand). Cytogenetic location: 5q35.3.
Variant type: single nucleotide variant.
Coding change: c.1977C>A on transcript NM_014244.5 (MANE Select); coding-DNA position 1977, C replaced by A.
Protein change: p.Cys659Ter; replaces cysteine 659 with a stop codon.
Molecular consequence: nonsense.
Genome position (GRCh38, 1-based): chr5:179,136,017, G>T on the plus strand (C>A on the coding strand, the complement: ADAMTS2 is on the minus strand). VCF-style: chr5-179136017-G-T. GRCh37 (hg19) VCF-style: chr5-178563018-G-T.
Other names: short protein forms C659*.
Identifiers: ClinVar variation 2839381 (VCV002839381.4), dbSNP rs758599662, ClinGen allele CA362425996.